The following is an entry in ClinVar:

ClinVar aggregate classification (germline): Benign. Review status: criteria provided, single submitter (1 of 4 stars). 2 submissions from 2 submitters: Benign (1). 1 of the submissions does not count toward it. Last evaluated 2024-09-04.

Conditions:
MRPS2-related disorder. Also called: MRPS2-related condition.

Allele frequency attached by ClinVar (database versions not stated): ESP Exome Variant Server 0.00008; gnomAD exomes 0.00022 and 0.00090; TOPMed 0.00045; ExAC 0.00076; 1000 Genomes Project 30x 0.00156; 1000 Genomes Project 0.00200.
gnomAD v4.1: 384 of 1,613,458 alleles (0.024%); highest among the groups gnomAD compares: East Asian, 0.65%; 2 homozygotes.

Submissions (2):

Labcorp Genetics (formerly Invitae), Labcorp
Classification: Benign. Last evaluated: 2024-09-04. Review status: criteria provided, single submitter. Criteria: Invitae Variant Classification Sherloc (09022015). Collection method: clinical testing. Allele origin: germline.

PreventionGenetics, part of Exact Sciences
Classification: Benign for MRPS2-related condition. Last evaluated: 2020-01-24. Review status: no assertion criteria provided. Collection method: clinical testing. Allele origin: germline. Not counted in ClinVar's aggregate classification.
Comment: This variant is classified as benign based on ACMG/AMP sequence variant interpretation guidelines (Richards et al. 2015 PMID: 25741868, with internal and published modifications).

NM_016034.5(MRPS2):c.479G>A (p.Arg160His)

Genes: MRPS2 (mitochondrial ribosomal protein S2; plus strand), LOC101928525 (uncharacterized LOC101928525; minus strand). Cytogenetic location: 9q34.3.
Variant type: single nucleotide variant.
Coding change: c.479G>A on transcript NM_016034.5 (MANE Select); coding-DNA position 479, G replaced by A.
Protein change: p.Arg160His; replaces arginine 160 with histidine.
Molecular consequence: missense variant. On other transcripts: non-coding transcript variant (4).
Genome position (GRCh38, 1-based): chr9:135,503,721, G>A. VCF-style: chr9-135503721-G-A. GRCh37 (hg19) VCF-style: chr9-138395567-G-A.
Other names: c.479G>A, p.Arg160His (NM_001371401.1); c.479G>A (NM_016034.4); short protein forms R160H.
Identifiers: ClinVar variation 1589986 (VCV001589986.10), dbSNP rs192357856, ClinGen allele CA5323954.